The following is an entry in ClinVar:

NM_000091.5(COL4A3):c.3282_3302dup (p.Gly1101_Ala1102insGlyProAlaGlyProGluGly)

Genes: MFF-DT (MFF divergent transcript; minus strand), COL4A3 (collagen type IV alpha 3 chain; plus strand). Cytogenetic location: 2q36.3.
Variant type: Duplication.
Coding change: c.3282_3302dup on transcript NM_000091.5 (MANE Select); coding-DNA positions 3282 to 3302, 21 bases duplicated (GGGGCCTGCTGGACCTGAGGG).
Protein change: p.Gly1101_Ala1102insGlyProAlaGlyProGluGly.
Molecular consequence: inframe insertion.
Genome position (GRCh38, 1-based): chr2:227,293,262-227,293,282, GGGGCCTGCTGGACCTGAGGG duplicated. VCF-style (leftmost placement, unchanged base first): chr2-227293261-T-TGGGGCCTGCTGGACCTGAGGG. GRCh37 (hg19) VCF-style: chr2-228157977-T-TGGGGCCTGCTGGACCTGAGGG.
Identifiers: ClinVar variation 2018744 (VCV002018744.4), dbSNP rs2469849941, ClinGen allele CA2580065950.

ClinVar aggregate classification (germline): Uncertain significance (1 of 4 stars; one submission).

Submission:

Labcorp Genetics (formerly Invitae), Labcorp
Classification: Uncertain significance. Last evaluated: 2022-09-09. Review status: criteria provided, single submitter. Criteria: Invitae Variant Classification Sherloc (09022015). Collection method: clinical testing. Allele origin: germline.
Comment: This variant, c.3282_3302dup, results in the insertion of 7 amino acid(s) of the COL4A3 protein (p.Gly1095_Gly1101dup), but otherwise preserves the integrity of the reading frame. This variant is not present in population databases (gnomAD no frequency). This variant has not been reported in the literature in individuals affected with COL4A3-related conditions. In summary, the available evidence is currently insufficient to determine the role of this variant in disease. Therefore, it has been classified as a Variant of Uncertain Significance.